The following is an entry in ClinVar:

ClinVar aggregate classification (germline): Benign. Review status: criteria provided, multiple submitters, no conflicts (2 of 4 stars). 2 submissions from 2 submitters: Benign (2). Last evaluated 2026-07-01.

Submissions (2):

CeGaT Center for Human Genetics Tuebingen
Classification: Benign. Last evaluated: 2026-07-01. Review status: criteria provided, single submitter. Criteria: CeGaT Center For Human Genetics Tuebingen Variant Classification Criteria Version 2. Collection method: clinical testing. Allele origin: germline. Affected: yes. Observed: 1 variant allele.
Comment: STUB1: BS1, BS2

Labcorp Genetics (formerly Invitae), Labcorp
Classification: Benign. Last evaluated: 2024-04-25. Review status: criteria provided, single submitter. Criteria: Invitae Variant Classification Sherloc (09022015). Collection method: clinical testing. Allele origin: germline.

NM_005861.4(STUB1):c.612+15dup

Genes: JMJD8 (jumonji domain containing 8; minus strand), STUB1 (STIP1 homology and U-box containing protein 1; plus strand). Cytogenetic location: 16p13.3.
Variant type: Duplication.
Coding change: c.612+15dup on transcript NM_005861.4 (MANE Select); 15 bases into the intron after coding-DNA position 612, one base duplicated (C; older notation c.612+15dupC).
Molecular consequence: intron variant. On other transcripts: 3 prime UTR variant (5), non-coding transcript variant (3).
Genome position (GRCh38, 1-based): chr16:681,895, C duplicated; the last of 6 consecutive C bases (chr16:681,890-681,895); duplicating any one gives the same sequence. VCF-style (leftmost placement, unchanged base first): chr16-681889-G-GC. GRCh37 (hg19) VCF-style: chr16-731889-G-GC.
Other names: c.*904dup (NM_001005920.4, NM_001323919.3, NM_001323920.3); c.*938dup (NM_001323918.3, NM_001323922.3); c.396+15dup (NM_001293197.2).
Identifiers: ClinVar variation 2070282 (VCV002070282.5), dbSNP rs544433451, ClinGen allele CA7786690.